The following is an entry in ClinVar:

ClinVar aggregate classification (germline): Pathogenic (1 of 4 stars; one submission).

Conditions:
Coffin-Siris syndrome 6. Identifiers: MedGen C4540499, MONDO:0033492, OMIM 617808.

Submission:

Wales Gene Park, Division Of Cancer and Genetics, Cardiff University
Classification: Pathogenic for Coffin-Siris syndrome 6. Last evaluated: 2026-04-28. Review status: criteria provided, single submitter. Criteria: ACGS Best Practice Guidelines for Variant Classification in Rare Disease 2024. Collection method: research. Allele origin: de novo. Inheritance: Autosomal dominant inheritance. Affected: yes. Study: 100,000 Genomes Project (Wales).
Comment: De novo ARID2 frameshift variant detected by trio genome sequencing. Not present in gnomAD (v4.1.1). Phenotype consistent with gene but not highly specific and high genetic heterogeneity. Evidence codes: PVS1, PM2, PS2_supporting.

NM_152641.4(ARID2):c.4200dup (p.Ile1401fs)

Gene: ARID2 (AT-rich interaction domain 2; plus strand). Cytogenetic location: 12q12.
Variant type: Duplication.
Coding change: c.4200dup on transcript NM_152641.4 (MANE Select); coding-DNA position 4200, one base duplicated (T; older notation c.4200dupT).
Protein change: p.Ile1401fs; shifts the reading frame from isoleucine 1401.
Molecular consequence: frameshift variant.
Genome position (GRCh38, 1-based): chr12:45,852,323, T duplicated. VCF-style (leftmost placement, unchanged base first): chr12-45852322-A-AT. GRCh37 (hg19) VCF-style: chr12-46246105-A-AT.
Other names: c.4200dup, p.Ile1401fs (NM_001347839.2); short protein forms I1401fs.
Identifiers: ClinVar variation 4880204 (VCV004880204.1).